The following is an entry in ClinVar:

NM_017755.6(NSUN2):c.1573G>A (p.Glu525Lys)

Gene: NSUN2 (NOP2/Sun RNA methyltransferase 2; minus strand). Cytogenetic location: 5p15.31.
Variant type: single nucleotide variant.
Coding change: c.1573G>A on transcript NM_017755.6 (MANE Select); coding-DNA position 1573, G replaced by A.
Protein change: p.Glu525Lys; replaces glutamic acid 525 with lysine.
Molecular consequence: missense variant. On other transcripts: non-coding transcript variant (1).
Genome position (GRCh38, 1-based): chr5:6,606,848, C>T on the plus strand (G>A on the coding strand, the complement: NSUN2 is on the minus strand). VCF-style: chr5-6606848-C-T. GRCh37 (hg19) VCF-style: chr5-6606961-C-T.
Other names: c.1468G>A, p.Glu490Lys (NM_001193455.2); c.1573G>A (NM_017755.5); short protein forms E490K, E525K.
Identifiers: ClinVar variation 1926265 (VCV001926265.6), dbSNP rs200173456, ClinGen allele CA3192398.

ClinVar aggregate classification (germline): Uncertain significance. Review status: criteria provided, multiple submitters, no conflicts (2 of 4 stars). 2 submissions from 2 submitters: Uncertain significance (2). Last evaluated 2023-11-27.

Conditions:
Inborn genetic diseases. Identifiers: MedGen C0950123, MeSH D030342.

Allele frequency attached by ClinVar (database versions not stated): ExAC 0.00001; gnomAD exomes 0.00001; TOPMed 0.00001; gnomAD 0.00002; 1000 Genomes Project 30x 0.00016; 1000 Genomes Project 0.00020.
gnomAD v4.1: 13 of 1,593,518 alleles (0.00082%); highest among the groups gnomAD compares: Non-Finnish European, 0.0011%; no homozygotes.

Submissions (2):

Ambry Genetics
Classification: Uncertain significance for Inborn genetic diseases. Last evaluated: 2023-11-27. Review status: criteria provided, single submitter. Criteria: Ambry Variant Classification Scheme 2023. Collection method: clinical testing. Allele origin: germline.

Labcorp Genetics (formerly Invitae), Labcorp
Classification: Uncertain significance. Last evaluated: 2022-08-09. Review status: criteria provided, single submitter. Criteria: Invitae Variant Classification Sherloc (09022015). Collection method: clinical testing. Allele origin: germline.
Comment: In summary, the available evidence is currently insufficient to determine the role of this variant in disease. Therefore, it has been classified as a Variant of Uncertain Significance. Algorithms developed to predict the effect of sequence changes on RNA splicing suggest that this variant may disrupt the consensus splice site. Algorithms developed to predict the effect of missense changes on protein structure and function (SIFT, PolyPhen-2, Align-GVGD) all suggest that this variant is likely to be tolerated. This variant has not been reported in the literature in individuals affected with NSUN2-related conditions. This variant is present in population databases (rs200173456, gnomAD 0.0009%). This sequence change replaces glutamic acid, which is acidic and polar, with lysine, which is basic and polar, at codon 525 of the NSUN2 protein (p.Glu525Lys).